The following is an entry in ClinVar:

NM_022132.5(MCCC2):c.994C>T (p.Arg332Ter)

Gene: MCCC2 (methylcrotonyl-CoA carboxylase subunit 2; plus strand). Cytogenetic location: 5q13.2.
Variant type: single nucleotide variant.
Coding change: c.994C>T on transcript NM_022132.5 (MANE Select); coding-DNA position 994, C replaced by T.
Protein change: p.Arg332Ter; replaces arginine 332 with a stop codon.
Molecular consequence: nonsense.
Genome position (GRCh38, 1-based): chr5:71,635,241, C>T. VCF-style: chr5-71635241-C-T. GRCh37 (hg19) VCF-style: chr5-70931068-C-T.
Other names: c.994C>T (NM_022132.4); c.880C>T, p.Arg294Ter (NM_001363147.1); short protein forms R332*, R294*.
Identifiers: ClinVar variation 167279 (VCV000167279.29), dbSNP rs727504010, ClinGen allele CA234250.

ClinVar aggregate classification (germline): Pathogenic/Likely pathogenic. Review status: criteria provided, multiple submitters, no conflicts (2 of 4 stars). 8 submissions from 8 submitters: Pathogenic (7); Likely pathogenic (1). Last evaluated 2025-08-19.

Conditions:
3-methylcrotonyl-CoA carboxylase 2 deficiency. Also called: 3 alpha methylcrotonyl-CoA carboxylase 2 deficiency; 3 alpha methylcrotonylglycinuria 2; MCC 2 deficiency; Methylcrotonylglycinuria type 2; METHYLCROTONYLGLYCINURIA, TYPE II. Identifiers: Orphanet 6, MedGen C1859499, MONDO:0008862, OMIM 210210.

Allele frequency attached by ClinVar (database versions not stated): gnomAD 0.00001; ExAC 0.00007; gnomAD exomes 0.00003 and 0.00005; TOPMed below 0.00001.
gnomAD v4.1: 38 of 1,613,586 alleles (0.0024%); highest among the groups gnomAD compares: South Asian, 0.026%; no homozygotes.

Submissions (8):

Natera, Inc.
Classification: Pathogenic for 3-methylcrotonyl-CoA carboxylase 2 deficiency. Last evaluated: 2025-08-19. Review status: criteria provided, single submitter. Criteria: Natera Variant Classification Schema (03/2026). Collection method: clinical testing. Allele origin: germline.
Comment: The c.994C>T variant in MCCC2 is a nonsense variant predicted to introduce a stop codon at amino acid 332. This variant is expected to result in nonsense mediated decay, truncation, or a dysfunctional protein product. This variant is rare in the general population with a frequency below the threshold expected for the associated phenotype(s). This variant has been observed in one or more individuals affected with the associated recessive disease, as either homozygous or compound heterozygous with a second variant (PMID: 16010683). Given the available evidence, this variant is classified as Pathogenic.

First Genomix Gene Laboratory, Genetic Diagnostics Department
Classification: Pathogenic for 3-methylcrotonyl-CoA carboxylase 2 deficiency. Last evaluated: 2025-07-10. Review status: criteria provided, single submitter. Criteria: ACMG Guidelines, 2015. Collection method: clinical testing. Allele origin: germline. Inheritance: Autosomal recessive inheritance. Affected: no. Observed: 1 variant allele.

Fulgent Genetics
Classification: Pathogenic for 3-methylcrotonyl-CoA carboxylase 2 deficiency. Last evaluated: 2024-05-31. Review status: criteria provided, single submitter. Criteria: ACMG Guidelines, 2015. Collection method: clinical testing. Allele origin: germline.

Myriad Genetics, Inc.
Classification: Pathogenic for 3-methylcrotonyl-CoA carboxylase 2 deficiency. Last evaluated: 2024-04-28. Review status: criteria provided, single submitter. Criteria: Myriad Autosomal Dominant, Autosomal Recessive and X-Linked Classification Criteria (2023). Collection method: clinical testing. Allele origin: unknown.
Comment: NM_022132.4(MCCC2):c.994C>T(R332*) is expected to be pathogenic in the context of 3-methylcrotonyl-CoA carboxylase deficiency, MCCC2-related. This variant is predicted to lead to an abnormal or absent protein product due to the creation of a premature termination codon in MCCC2, a gene where loss-of-function variants are known to be pathogenic. Please note: this variant was assessed in the context of healthy population screening.

Labcorp Genetics (formerly Invitae), Labcorp
Classification: Pathogenic for 3-methylcrotonyl-CoA carboxylase 2 deficiency. Last evaluated: 2024-02-03. Review status: criteria provided, single submitter. Criteria: Invitae Variant Classification Sherloc (09022015). Collection method: clinical testing. Allele origin: germline.
Comment: This sequence change creates a premature translational stop signal (p.Arg332*) in the MCCC2 gene. It is expected to result in an absent or disrupted protein product. Loss-of-function variants in MCCC2 are known to be pathogenic (PMID: 11181649, 22642865). This variant is present in population databases (rs727504010, gnomAD 0.03%). This premature translational stop signal has been observed in individual(s) with 3MCC deficiency (PMID: 16010683). ClinVar contains an entry for this variant (Variation ID: 167279). For these reasons, this variant has been classified as Pathogenic.

Neuberg Centre For Genomic Medicine, NCGM
Classification: Likely pathogenic for 3-methylcrotonyl-CoA carboxylase 2 deficiency. Last evaluated: 2023-01-24. Review status: criteria provided, single submitter. Criteria: ACMG Guidelines, 2015. Collection method: clinical testing. Allele origin: germline. Inheritance: Autosomal recessive inheritance. Affected: yes.
Comment: Dysmorphism: Short stature, triangular facies, blue sclera, hypospadias, ambiguous genitalia Clinical suspicion: Noonan syndrome/Atypical RS Genes of interest: DPH1/TMEM94

Revvity Omics, Revvity
Classification: Pathogenic for 3-methylcrotonyl-CoA carboxylase 2 deficiency. Last evaluated: 2022-06-20. Review status: criteria provided, single submitter. Criteria: ACMG Guidelines, 2015. Collection method: clinical testing. Allele origin: germline.

Eurofins Ntd Llc (ga)
Classification: Pathogenic. Last evaluated: 2014-01-21. Review status: criteria provided, single submitter. Criteria: EGL Classification Definitions. Collection method: clinical testing. Allele origin: germline. Observed: 1 variant allele, 1 heterozygote.

Literature cited by the submitters: PubMed 16010683 (cited by Natera, Inc. and Labcorp Genetics (formerly Invitae), Labcorp); PubMed 11181649 (cited by Labcorp Genetics (formerly Invitae), Labcorp); PubMed 22642865 (cited by Labcorp Genetics (formerly Invitae), Labcorp).